The following is an entry in ClinVar:

ClinVar aggregate classification (germline): Uncertain significance (1 of 4 stars; one submission).

Allele frequency attached by ClinVar (database versions not stated): TOPMed below 0.00001.
gnomAD v4.1: 15 of 1,614,046 alleles (0.00093%); highest among the groups gnomAD compares: Admixed American, 0.0017%; no homozygotes.

Submission:

Labcorp Genetics (formerly Invitae), Labcorp
Classification: Uncertain significance. Last evaluated: 2022-06-24. Review status: criteria provided, single submitter. Criteria: Invitae Variant Classification Sherloc (09022015). Collection method: clinical testing. Allele origin: germline.
Comment: This sequence change replaces glycine, which is neutral and non-polar, with serine, which is neutral and polar, at codon 36 of the C8orf37 protein (p.Gly36Ser). This variant is present in population databases (no rsID available, gnomAD 0.003%). This variant has not been reported in the literature in individuals affected with C8orf37-related conditions. Algorithms developed to predict the effect of missense changes on protein structure and function (SIFT, PolyPhen-2, Align-GVGD) all suggest that this variant is likely to be tolerated. In summary, the available evidence is currently insufficient to determine the role of this variant in disease. Therefore, it has been classified as a Variant of Uncertain Significance.

NM_177965.4(CFAP418):c.106G>A (p.Gly36Ser)

Genes: CFAP418 (cilia and flagella associated protein 418; minus strand), CFAP418-AS1 (CFAP418 antisense RNA 1; plus strand), LOC130000784 (ATAC-STARR-seq lymphoblastoid active region 27655; plus strand). Cytogenetic location: 8q22.1.
Variant type: single nucleotide variant.
Coding change: c.106G>A on transcript NM_177965.4 (MANE Select); coding-DNA position 106, G replaced by A.
Protein change: p.Gly36Ser; replaces glycine 36 with serine.
Molecular consequence: missense variant.
Genome position (GRCh38, 1-based): chr8:95,269,084, C>T on the plus strand (G>A on the coding strand, the complement: CFAP418 is on the minus strand). VCF-style: chr8-95269084-C-T. GRCh37 (hg19) VCF-style: chr8-96281312-C-T.
Other names: c.106G>A, p.Gly36Ser (NM_001363260.1); short protein forms G36S.
Identifiers: ClinVar variation 1927068 (VCV001927068.2), dbSNP rs771784860, ClinGen allele CA182090238.
Genomic context (GRCh38, chr8:95,269,084, plus strand): 5'-GCCCGGTTAACCTGAGCGTCTCTTTCGCCTTGGCTTGGTTCCGGTCGCTACTGTGGGTGC[C>T]GCCGCCGCAGCCTTTGGGCTGCTCGACCATACCCCGTCTTAGAAGGTCAGGTGTGCAAAA-3'
Protein context (NP_808880.1, residues 26-46): MVEQPKGCGG[Gly36Ser]THSSDRNQAK